The following is an entry in ClinVar:

NM_001853.4(COL9A3):c.519+5G>A

Gene: COL9A3 (collagen type IX alpha 3 chain; plus strand). Cytogenetic location: 20q13.33.
Variant type: single nucleotide variant.
Coding change: c.519+5G>A on transcript NM_001853.4 (MANE Select); 5 bases into the intron after coding-DNA position 519, G replaced by A.
Molecular consequence: intron variant.
Genome position (GRCh38, 1-based): chr20:62,822,637, G>A. VCF-style: chr20-62822637-G-A. GRCh37 (hg19) VCF-style: chr20-61453989-G-A.
Identifiers: ClinVar variation 2089695 (VCV002089695.4), dbSNP rs767209247, ClinGen allele CA9949319.

ClinVar aggregate classification (germline): Uncertain significance (1 of 4 stars; one submission).

Allele frequency attached by ClinVar (database versions not stated): ExAC 0.00001; gnomAD exomes 0.00004.

Submission:

Labcorp Genetics (formerly Invitae), Labcorp
Classification: Uncertain significance. Last evaluated: 2025-12-10. Review status: criteria provided, single submitter. Criteria: Invitae Variant Classification Sherloc (09022015). Collection method: clinical testing. Allele origin: germline.
Comment: This sequence change falls in intron 10 of the COL9A3 gene. It does not directly change the encoded amino acid sequence of the COL9A3 protein. It affects a nucleotide within the consensus splice site. This variant is present in population databases (rs767209247, gnomAD 0.0009%). This variant has not been reported in the literature in individuals affected with COL9A3-related conditions. ClinVar contains an entry for this variant (Variation ID: 2089695). Variants that disrupt the consensus splice site are a relatively common cause of aberrant splicing (PMID: 17576681, 9536098). Algorithms developed to predict the effect of sequence changes on RNA splicing suggest that this variant is not likely to affect RNA splicing. In summary, the available evidence is currently insufficient to determine the role of this variant in disease. Therefore, it has been classified as a Variant of Uncertain Significance.

Literature cited by the submitters: PubMed 17576681; PubMed 9536098.